The following is an entry in ClinVar:

NC_000001.10:g.(?_183546714)_(183559464_?)dup

Gene: NCF2 (neutrophil cytosolic factor 2; minus strand). Cytogenetic location: 1q25.3.
Variant type: Duplication.
Identifiers: ClinVar variation 2423086 (VCV002423086.6).

ClinVar aggregate classification (germline): Uncertain significance (1 of 4 stars; one submission).

Conditions:
Granulomatous disease, chronic, autosomal recessive, cytochrome b-positive, type 2. Also called: GRANULOMATOUS DISEASE, CHRONIC, AUTOSOMAL RECESSIVE, 2; Chronic granulomatous disease due to deficiency of NCF-2; CGD, AUTOSOMAL RECESSIVE CYTOCHROME b-POSITIVE, TYPE II; GRANULOMATOUS DISEASE, CHRONIC, DUE TO NCF2 DEFICIENCY; Chronic Granulomatous Disease, Autosomal Recessive, Cytochrome b-Positive, Type II. Identifiers: Orphanet 379, MedGen C1856245, MONDO:0009310, OMIM 233710.

Submission:

Labcorp Genetics (formerly Invitae), Labcorp
Classification: Uncertain significance for Granulomatous disease, chronic, autosomal recessive, cytochrome b-positive, type 2. Last evaluated: 2021-10-24. Review status: criteria provided, single submitter. Criteria: Invitae Variant Classification Sherloc (09022015). Collection method: clinical testing. Allele origin: germline.
Comment: In summary, the available evidence is currently insufficient to determine the role of this variant in disease. Therefore, it has been classified as a Variant of Uncertain Significance. This variant has not been reported in the literature in individuals affected with NCF2-related conditions. This variant results in a copy number gain of the genomic region encompassing exon(s) 1-3 of the NCF2 gene. This region includes the initiator codon of the gene. This copy number gain extends beyond the assayed region for this gene and therefore may encompass additional genes. As the precise location of this event is unknown, it may be in tandem or it may be located elsewhere in the genome.